The following is an entry in ClinVar:

ClinVar aggregate classification (germline): Likely benign. Review status: criteria provided, multiple submitters, no conflicts (2 of 4 stars). 2 submissions from 2 submitters: Likely benign (2). Last evaluated 2025-11-03.

Conditions:
Progressive sclerosing poliodystrophy (MTDPS4A). Also called: ALPERS PROGRESSIVE INFANTILE POLIODYSTROPHY; NEURONAL DEGENERATION OF CHILDHOOD WITH LIVER DISEASE, PROGRESSIVE; Alpers Syndrome; ALPERS DIFFUSE DEGENERATION OF CEREBRAL GRAY MATTER WITH HEPATIC CIRRHOSIS; Alpers-Huttenlocher Syndrome; Alpers-Huttenlocher Syndrome (AHS). Identifiers: Orphanet 726, MedGen C0205710, MONDO:0008758, OMIM 203700.

Submissions (2):

Women's Health and Genetics/Laboratory Corporation of America, LabCorp
Classification: Likely benign. Last evaluated: 2025-11-03. Review status: criteria provided, single submitter. Criteria: LabCorp Variant Classification Summary - May 2015. Collection method: clinical testing. Allele origin: germline.
Comment: Variant summary: POLG c.3105-18_3105-17delCT alters a non-conserved nucleotide located at a position not widely known to affect splicing. Consensus agreement among computation tools predict no significant impact on normal splicing. However, these predictions have yet to be confirmed by functional studies. The variant allele was found at a frequency of 1.6e-05 in 251468 control chromosomes. The available data on variant occurrences in the general population are insufficient to allow any conclusion about variant significance. To our knowledge, no occurrence of c.3105-18_3105-17delCT in individuals affected with POLG-related conditions and no experimental evidence demonstrating its impact on protein function have been reported. ClinVar contains an entry for this variant (Variation ID: 3725037). Based on the evidence outlined above, the variant was classified as likely benign.

Labcorp Genetics (formerly Invitae), Labcorp
Classification: Likely benign for Progressive sclerosing poliodystrophy. Last evaluated: 2024-11-21. Review status: criteria provided, single submitter. Criteria: Invitae Variant Classification Sherloc (09022015). Collection method: clinical testing. Allele origin: germline.

NM_002693.3(POLG):c.3105-18_3105-17del

Gene: POLG (DNA polymerase gamma, catalytic subunit; minus strand). Cytogenetic location: 15q26.1.
Variant type: Microsatellite.
Coding change: c.3105-18_3105-17del on transcript NM_002693.3 (MANE Select); 18 bases into the intron before coding-DNA position 3105 through 17 bases into the intron before coding-DNA position 3105, 2 bases deleted (CT; older notation c.3105-18_3105-17delCT).
Molecular consequence: intron variant.
Genome position (GRCh38, 1-based): chr15:89,319,116-89,319,117, AG deleted on the plus strand (CT on the coding strand, the reverse complement: POLG is on the minus strand); deleting any 2 consecutive bases within chr15:89,319,116-89,319,119 gives the same sequence; the c. name uses the placement nearest the transcript's 3' end. VCF-style (leftmost placement, unchanged base first): chr15-89319115-CAG-C. GRCh37 (hg19) VCF-style: chr15-89862346-CAG-C.
Other names: c.3105-18_3105-17del (NM_001126131.2); c.3105-18_3105-17delCT (NM_002693.3).
Identifiers: ClinVar variation 3725037 (VCV003725037.3).